The following is an entry in ClinVar:

ClinVar aggregate classification (germline): Pathogenic (1 of 4 stars; one submission).

Conditions:
ALG9 congenital disorder of glycosylation (CDG1L). Also called: CDG Il; CONGENITAL DISORDER OF GLYCOSYLATION, TYPE Il; ALG9-CDG. Identifiers: Orphanet 79328, MedGen C2931006, MONDO:0012117, OMIM 608776.

Allele frequency attached by ClinVar (database versions not stated): gnomAD exomes below 0.00001.

Submission:

Labcorp Genetics (formerly Invitae), Labcorp
Classification: Pathogenic for ALG9 congenital disorder of glycosylation. Last evaluated: 2024-01-19. Review status: criteria provided, single submitter. Criteria: Invitae Variant Classification Sherloc (09022015). Collection method: clinical testing. Allele origin: germline.
Comment: This sequence change creates a premature translational stop signal (p.Asp768Glufs*7) in the ATP6V0A2 gene. It is expected to result in an absent or disrupted protein product. Loss-of-function variants in ATP6V0A2 are known to be pathogenic (PMID: 18157129, 19321599). This variant is not present in population databases (gnomAD no frequency). This variant has not been reported in the literature in individuals affected with ATP6V0A2-related conditions. Algorithms developed to predict the effect of sequence changes on RNA splicing suggest that this variant may disrupt the consensus splice site. For these reasons, this variant has been classified as Pathogenic.

Literature cited by the submitters: PubMed 18157129; PubMed 19321599.

NM_012463.4(ATP6V0A2):c.2304del (p.Asp768fs)

Gene: ATP6V0A2 (ATPase H+ transporting V0 subunit a2; plus strand). Cytogenetic location: 12q24.31.
Variant type: Deletion.
Coding change: c.2304del on transcript NM_012463.4 (MANE Select); coding-DNA position 2304, one base deleted (T; older notation c.2304delT).
Protein change: p.Asp768fs; shifts the reading frame from aspartic acid 768.
Molecular consequence: frameshift variant.
Genome position (GRCh38, 1-based): chr12:123,756,825, T deleted. VCF-style (leftmost placement, unchanged base first): chr12-123756824-AT-A. GRCh37 (hg19) VCF-style: chr12-124241371-AT-A.
Other names: short protein forms D768fs.
Identifiers: ClinVar variation 2991081 (VCV002991081.3), dbSNP rs1956768636, ClinGen allele CA2069006963.
Genomic context (GRCh38, chr12:123,756,824, plus strand): 5'-ACCCACTGTACATAAGCGAGCATGACCTGTGCAGGCTGCACTCCTTTGCAGAGTTGTCTG[AT>A]GTCCTGTGGGCCATGCTGATGCGCGTGGGCCTCCGCGTTGACACCACCTATGGCGTCTTG-3'